The following is an entry in ClinVar:

NM_000530.8(MPZ):c.646-3C>G

Gene: MPZ (myelin protein zero; minus strand). Cytogenetic location: 1q23.3.
Variant type: single nucleotide variant.
Coding change: c.646-3C>G on transcript NM_000530.8 (MANE Select); 3 bases into the intron before coding-DNA position 646, C replaced by G.
Molecular consequence: intron variant.
Genome position (GRCh38, 1-based): chr1:161,305,980, G>C on the plus strand (C>G on the coding strand, the complement: MPZ is on the minus strand). VCF-style: chr1-161305980-G-C. GRCh37 (hg19) VCF-style: chr1-161275770-G-C.
Other names: c.646-3C>G (NM_001315491.2).
Identifiers: ClinVar variation 811914 (VCV000811914.19), dbSNP rs750756212, ClinGen allele CA1210077.

ClinVar aggregate classification (germline): Conflicting classifications of pathogenicity. Review status: criteria provided, conflicting classifications (1 of 4 stars). 5 submissions from 5 submitters: Pathogenic (1); Likely pathogenic (3); Uncertain significance (1). Last evaluated 2026-01-26.

Conditions:
MPZ-related disorder. Also called: MPZ-related condition; MPZ-related disorders.
Charcot-Marie-Tooth disease. Also called: Charcot-Marie-Tooth Neuropathy; Charcot-Marie-Tooth Hereditary Neuropathy. Identifiers: Orphanet 166, MedGen C0007959, MONDO:0015626.
Charcot-Marie-Tooth disease, type I (CMT1). Also called: Charcot-Marie-Tooth, Type 1; Charcot-Marie-Tooth disease type 1. Identifiers: Orphanet 65753, MedGen C0751036, MONDO:0019011.

Allele frequency attached by ClinVar (database versions not stated): gnomAD exomes below 0.00001 and 0.00001; ExAC 0.00001.
gnomAD v4.1: 2 of 1,613,576 alleles (0.00012%); highest among the groups gnomAD compares: Non-Finnish European, 0.00017%; no homozygotes.

Submissions (5):

Labcorp Genetics (formerly Invitae), Labcorp
Classification: Pathogenic for Charcot-Marie-Tooth disease, type I. Last evaluated: 2026-01-26. Review status: criteria provided, single submitter. Criteria: Invitae Variant Classification Sherloc (09022015). Collection method: clinical testing. Allele origin: germline.
Comment: This sequence change falls in intron 5 of the MPZ gene. It does not directly change the encoded amino acid sequence of the MPZ protein. It affects a nucleotide within the consensus splice site. This variant is present in population databases (rs750756212, gnomAD 0.002%). This variant has been observed in individuals with clinical features of Charcot-Marie-Tooth disease (PMID: 33179255; internal data). It has also been observed to segregate with disease in related individuals. Invitae Evidence Modeling of clinical and family history, age, sex, and reported ancestry of multiple individuals with this MPZ variant has been performed. This variant is expected to be pathogenic with a positive predictive value of at least 99%. This is a validated machine learning model that incorporates the clinical features of 13,236 individuals referred to our laboratory for MPZ testing. ClinVar contains an entry for this variant (Variation ID: 811914). Variants that disrupt the consensus splice site are a relatively common cause of aberrant splicing (PMID: 17576681, 9536098). Algorithms developed to predict the effect of sequence changes on RNA splicing suggest that this variant may disrupt the consensus splice site. For these reasons, this variant has been classified as Pathogenic.

Clinical Genetics Laboratory, Region Ostergotland
Classification: Likely pathogenic for Charcot-Marie-Tooth disease. Last evaluated: 2025-05-28. Review status: criteria provided, single submitter. Criteria: ACMG Guidelines, 2015. Collection method: clinical testing. Allele origin: germline. Affected: yes.
Comment: The NM_000530.8:c.646-3C>G variant is located at the acceptor site of the last exon of the MPZ gene. In house RNAseq analysis indicated an effect of the variant in the form of an altered (enlongated) 3' UTR. The variant is not found in population database (no frequency gnomAD v4.1.0). This variant has been observed in individuals with clinical features of Charcot-Marie-Tooth disease (PMID:33179255). The following ACMG/AMP criteria were applied in classifying this variant: PS4_moderate, PM2, PP3, PS1_supporting

Clinical Genetics Laboratory, Skane University Hospital Lund
Classification: Likely pathogenic. Last evaluated: 2023-03-08. Review status: criteria provided, single submitter. Criteria: ACMG Guidelines, 2015. Collection method: clinical testing. Allele origin: germline. Affected: yes.

Blueprint Genetics
Classification: Likely pathogenic for MPZ-related disorders. Last evaluated: 2022-04-01. Review status: criteria provided, single submitter. Criteria: ACMG Guidelines, 2015. Collection method: clinical testing. Allele origin: germline. Affected: yes. Observed: 3 variant alleles.

ARUP Laboratories, Molecular Genetics and Genomics, ARUP Laboratories
Classification: Uncertain significance. Last evaluated: 2019-02-24. Review status: criteria provided, single submitter. Criteria: ARUP Molecular Germline Variant Investigation Process. Collection method: clinical testing. Allele origin: germline.
Comment: The MPZ c.646-3C>G variant (rs750756212), to our knowledge, is not described in the medical literature or in gene-specific databases. It is observed on only 2 alleles in the Genome Aggregation Database, indicating it is not a common polymorphism. This is an intronic variant at a moderately conserved nucleotide, and computational algorithms (Alamut v.2.11) predict that this variant may impact splicing by significantly weakening the nearby canonical acceptor splice site. However, functional studies are necessary to confirm any effect that this variant may have on RNA splicing. Due to the lack of clinical and functional data regarding this variant, its clinical significance cannot be determined with certainty.

Literature cited by the submitters: PubMed 33179255 (cited by Labcorp Genetics (formerly Invitae), Labcorp and Clinical Genetics Laboratory, Region Ostergotland); PubMed 17576681 (cited by Labcorp Genetics (formerly Invitae), Labcorp); PubMed 9536098 (cited by Labcorp Genetics (formerly Invitae), Labcorp).